The following is an entry in ClinVar:

ClinVar aggregate classification (germline): Uncertain significance (1 of 4 stars; one submission).

Submission:

Labcorp Genetics (formerly Invitae), Labcorp
Classification: Uncertain significance. Last evaluated: 2025-01-27. Review status: criteria provided, single submitter. Criteria: Invitae Variant Classification Sherloc (09022015). Collection method: clinical testing. Allele origin: germline.
Comment: This sequence change replaces lysine, which is basic and polar, with asparagine, which is neutral and polar, at codon 1021 of the SCN3A protein (p.Lys1021Asn). This variant is not present in population databases (gnomAD no frequency). This variant has not been reported in the literature in individuals affected with SCN3A-related conditions. ClinVar contains an entry for this variant (Variation ID: 1490686). Invitae Evidence Modeling of protein sequence and biophysical properties (such as structural, functional, and spatial information, amino acid conservation, physicochemical variation, residue mobility, and thermodynamic stability) indicates that this missense variant is not expected to disrupt SCN3A protein function with a negative predictive value of 95%. In summary, the available evidence is currently insufficient to determine the role of this variant in disease. Therefore, it has been classified as a Variant of Uncertain Significance.

NM_006922.4(SCN3A):c.3063G>T (p.Lys1021Asn)

Gene: SCN3A (sodium voltage-gated channel alpha subunit 3; minus strand). Cytogenetic location: 2q24.3.
Variant type: single nucleotide variant.
Coding change: c.3063G>T on transcript NM_006922.4 (MANE Select); coding-DNA position 3063, G replaced by T.
Protein change: p.Lys1021Asn; replaces lysine 1021 with asparagine.
Molecular consequence: missense variant.
Genome position (GRCh38, 1-based): chr2:165,127,961, C>A on the plus strand (G>T on the coding strand, the complement: SCN3A is on the minus strand). VCF-style: chr2-165127961-C-A. GRCh37 (hg19) VCF-style: chr2-165984471-C-A.
Other names: c.2916G>T, p.Lys972Asn (NM_001081676.2, NM_001081677.2); short protein forms K972N, K1021N.
Identifiers: ClinVar variation 1490686 (VCV001490686.6), dbSNP rs2105763664, ClinGen allele CA349041200.